The following is an entry in ClinVar:

ClinVar aggregate classification (germline): Likely pathogenic (0 of 4 stars; one submission).

Conditions:
Familial hypercholesterolemia. Also called: Familial hypercholesterolemias; Familial hypercholesterolaemia. Identifiers: MedGen C0020445, MONDO:0005439.

Submission:

Research Laboratories, P. D. Hinduja Hospital & MRC
Classification: Likely pathogenic for Familial hypercholesterolemia. Last evaluated: 2026-06-08. Review status: no assertion criteria provided. Collection method: research. Allele origin: germline. Affected: yes. Observed: 1 variant allele, 1 heterozygote.
Comment: This variant was identified as part of the ICMR-funded project (Ref No. 2020-3881). A frameshift deletion in PIK3C2G (NM_001288772.2), c.899del, predicted to cause a frameshift beginning at codon 300 and resulting in a premature termination codon downstream To our knowledge, functional studies specific to this variant have not been reported. This variant has not been described in individuals with Familial Hypercholesterolemia (FH) in the literature; however, the PIK3C2G gene is associated with lipid metabolism according to the LIPID MAPS Proteome Database (LMPD). Computational predictions using MutationTaster and PolyPhen-2 suggest that this variant is likely deleterious and possibly damaging to protein function (GRCh38).

NM_001288772.2(PIK3C2G):c.899del (p.Pro300fs)

Gene: PIK3C2G (phosphatidylinositol-4-phosphate 3-kinase catalytic subunit type 2 gamma; plus strand). Cytogenetic location: 12p12.3.
Variant type: Deletion.
Coding change: c.899del on transcript NM_001288772.2 (MANE Select); coding-DNA position 899, one base deleted (C; older notation c.899delC).
Protein change: p.Pro300fs; shifts the reading frame from proline 300.
Molecular consequence: frameshift variant.
Genome position (GRCh38, 1-based): chr12:18,290,992, C deleted; the last of 2 consecutive C bases (chr12:18,290,991-18,290,992); deleting either gives the same sequence. VCF-style (leftmost placement, unchanged base first): chr12-18290990-AC-A. GRCh37 (hg19) VCF-style: chr12-18443924-AC-A.
Other names: c.233del, p.Pro78fs (NM_001288774.2); c.899del, p.Pro300fs (NM_004570.6); short protein forms P300fs, P78fs.
Identifiers: ClinVar variation 4857181 (VCV004857181.1).